The following is an entry in ClinVar:

NM_002863.5(PYGL):c.2016C>T (p.Thr672=)

Gene: PYGL (glycogen phosphorylase L; minus strand). Cytogenetic location: 14q22.1.
Variant type: single nucleotide variant.
Coding change: c.2016C>T on transcript NM_002863.5 (MANE Select); coding-DNA position 2016, C replaced by T.
Protein change: p.Thr672=; no amino-acid change (threonine 672 retained).
Molecular consequence: synonymous variant.
Genome position (GRCh38, 1-based): chr14:50,910,056, G>A on the plus strand (C>T on the coding strand, the complement: PYGL is on the minus strand). VCF-style: chr14-50910056-G-A. GRCh37 (hg19) VCF-style: chr14-51376774-G-A.
Other names: c.1914C>T, p.Thr638= (NM_001163940.2).
Identifiers: ClinVar variation 258836 (VCV000258836.23), dbSNP rs15669, ClinGen allele CA7183250.

ClinVar aggregate classification (germline): Benign. Review status: criteria provided, multiple submitters, no conflicts (2 of 4 stars). 7 submissions from 7 submitters: Benign (6). 1 of the submissions does not count toward it. Last evaluated 2026-02-01.

Conditions:
Glycogen storage disease, type VI (GSD6). Also called: Glycogen storage disease type 6; Hepatic glycogen phosphorylase deficiency; HERS DISEASE; PHOSPHORYLASE DEFICIENCY GLYCOGEN-STORAGE DISEASE OF LIVER; Glycogen storage disease type 6, due to phosphorylation; GSD VI. Identifiers: Orphanet 369, MedGen C0017925, MONDO:0009294, OMIM 232700.

Allele frequency attached by ClinVar (database versions not stated): gnomAD exomes 0.13368 and 0.14906; ExAC 0.16036; gnomAD 0.20634 and 0.21064; TOPMed 0.20922; ESP Exome Variant Server 0.21890; 1000 Genomes Project 0.22264; 1000 Genomes Project 30x 0.23095.
gnomAD v4.1: 227,129 of 1,613,832 alleles (14%); highest among the groups gnomAD compares: African/African-American, 41%; 19,395 homozygotes.

Submissions (7):

Labcorp Genetics (formerly Invitae), Labcorp
Classification: Benign for Glycogen storage disease, type VI. Last evaluated: 2026-02-01. Review status: criteria provided, single submitter. Criteria: Invitae Variant Classification Sherloc (09022015). Collection method: clinical testing. Allele origin: germline.

Genome-Nilou Lab
Classification: Benign for Glycogen storage disease, type VI. Last evaluated: 2021-11-07. Review status: criteria provided, single submitter. Criteria: ACMG Guidelines, 2015. Collection method: clinical testing. Allele origin: germline. Affected: no.

GeneDx
Classification: Benign. Last evaluated: 2021-05-05. Review status: criteria provided, single submitter. Criteria: GeneDx Variant Classification Process June 2021. Collection method: clinical testing. Allele origin: germline. Affected: yes.

Illumina Laboratory Services, Illumina
Classification: Benign for Glycogen storage disease, type VI. Last evaluated: 2018-01-12. Review status: criteria provided, single submitter. Criteria: ICSL Variant Classification Criteria 13 December 2019. Collection method: clinical testing. Allele origin: germline.
Comment: This variant was observed in the ICSL laboratory as part of a predisposition screen in an ostensibly healthy population. It had not been previously curated by ICSL or reported in the Human Gene Mutation Database (HGMD: prior to June 1st, 2018), and was therefore a candidate for classification through an automated scoring system. Utilizing variant allele frequency, disease prevalence and penetrance estimates, and inheritance mode, an automated score was calculated to assess if this variant is too frequent to cause the disease. Based on the score and internal cut-off values, a variant classified as benign is not then subjected to further curation. The score for this variant resulted in a classification of benign for this disease.

Breakthrough Genomics
Classification: Benign. Review status: criteria provided, single submitter. Criteria: ACMG Guidelines, 2015. Collection method: not provided. Allele origin: germline. Inheritance: Autosomal recessive inheritance. Affected: yes.

PreventionGenetics, part of Exact Sciences
Classification: Benign. Review status: criteria provided, single submitter. Criteria: ACMG Guidelines, 2015. Collection method: clinical testing. Allele origin: germline.

Mayo Clinic Laboratories, Mayo Clinic
Classification: Benign. Last evaluated: 2017-04-12. Review status: no assertion criteria provided. Collection method: clinical testing. Allele origin: unknown. Not counted in ClinVar's aggregate classification.